The following is an entry in ClinVar:

ClinVar aggregate classification (germline): Benign/Likely benign. Review status: criteria provided, multiple submitters, no conflicts (2 of 4 stars). 14 submissions from 13 submitters: Benign (8); Likely benign (1). 5 of the submissions do not count toward it. Last evaluated 2026-02-04.

Conditions:
Baraitser-Winter syndrome 1 (BRWS1). Also called: BARAITSER-WINTER SYNDROME 1, ATYPICAL; PACHYGYRIA, MENTAL RETARDATION, EPILEPSY, AND CHARACTERISTIC FACIES; MENTAL RETARDATION WITH EPILEPSY AND CHARACTERISTIC FACIES; Cerebrofrontofacial syndrome. Identifiers: Orphanet 2649, Orphanet 2995, MedGen C1855722, MONDO:0009470, OMIM 243310.
Developmental malformations-deafness-dystonia syndrome (DDS1). Identifiers: Orphanet 79107, MedGen C5848323, MONDO:0011823, OMIM 607371.

Allele frequency attached by ClinVar (database versions not stated): gnomAD exomes 0.02776 and 0.03136; ExAC 0.02861; 1000 Genomes Project 30x 0.02889; gnomAD 0.03304 and 0.03418; 1000 Genomes Project 0.02716; TOPMed 0.03497; ESP Exome Variant Server 0.03506.
gnomAD v4.1: 50,900 of 1,614,222 alleles (3.2%); highest among the groups gnomAD compares: African/African-American, 4.6%; 917 homozygotes.

Submissions (14):

Labcorp Genetics (formerly Invitae), Labcorp
Classification: Benign for Baraitser-Winter syndrome 1. Last evaluated: 2026-02-04. Review status: criteria provided, single submitter. Criteria: Invitae Variant Classification Sherloc (09022015). Collection method: clinical testing. Allele origin: germline.

Blueprint Genetics
Classification: Likely benign. Last evaluated: 2024-11-27. Review status: criteria provided, single submitter. Criteria: ACMG Guidelines, 2015. Collection method: clinical testing. Allele origin: germline.

Mayo Clinic Laboratories, Mayo Clinic
Classification: Benign. Last evaluated: 2023-08-04. Review status: criteria provided, single submitter. Criteria: ACMG Guidelines, 2015. Collection method: clinical testing. Allele origin: germline. Observed: 43 variant alleles.

Molecular Genetics, Royal Melbourne Hospital
Classification: Benign for Baraitser-Winter syndrome 1. Last evaluated: 2023-05-04. Review status: criteria provided, single submitter. Criteria: ACMG Guidelines, 2015. Collection method: clinical testing. Allele origin: germline. Affected: yes.
Comment: African/African American population allele frequency is 3.989% (rs11546939,1081/24968 alleles, 22 homozygotes in gnomAD v2.1). Based on the classification scheme RMH Modified ACMG/AMP Guidelines v1.2.1, this variant is classified as BENIGN. Following criteria are met: BA1

Genome-Nilou Lab
Classification: Benign for Baraitser-Winter syndrome 1. Last evaluated: 2021-12-05. Review status: criteria provided, single submitter. Criteria: ACMG Guidelines, 2015. Collection method: clinical testing. Allele origin: germline. Affected: no.

Genome-Nilou Lab
Classification: Benign for Developmental malformations-deafness-dystonia syndrome. Last evaluated: 2021-12-05. Review status: criteria provided, single submitter. Criteria: ACMG Guidelines, 2015. Collection method: clinical testing. Allele origin: germline. Affected: no.

Athena Diagnostics
Classification: Benign. Last evaluated: 2021-03-03. Review status: criteria provided, single submitter. Criteria: Athena Diagnostics criteria. Collection method: clinical testing. Allele origin: unknown.

Laboratory for Molecular Medicine, Mass General Brigham Personalized Medicine
Classification: Benign. Last evaluated: 2018-12-27. Review status: criteria provided, single submitter. Criteria: LMM Criteria. Collection method: clinical testing. Allele origin: germline. Observed: 4 variant alleles.
Comment: p.Gln314Gln in exon 5 of ACTB: This variant is not expected to have clinical significance because it does not alter an amino acid residue, is not located within the splice consensus sequence, and has been identified in 4.36% (454/10402) of African chromosomes by the Exome Aggregation Consortium (ExAC; dbSNP rs11546939).

GeneDx
Classification: Benign. Last evaluated: 2015-11-05. Review status: criteria provided, single submitter. Criteria: GeneDx Variant Classification (06012015). Collection method: clinical testing. Allele origin: germline. Affected: yes.
Comment: This variant is considered likely benign or benign based on one or more of the following criteria: it is a conservative change, it occurs at a poorly conserved position in the protein, it is predicted to be benign by multiple in silico algorithms, and/or has population frequency not consistent with disease.

Clinical Genetics DNA and cytogenetics Diagnostics Lab, Erasmus MC, Erasmus Medical Center
Classification: Benign. Review status: no assertion criteria provided. Collection method: clinical testing. Allele origin: germline. Affected: yes. Study: VKGL Data-share Consensus. Not counted in ClinVar's aggregate classification.

Diagnostic Laboratory, Department of Genetics, University Medical Center Groningen
Classification: Benign. Review status: no assertion criteria provided. Collection method: clinical testing. Allele origin: germline. Affected: yes. Study: VKGL Data-share Consensus. Not counted in ClinVar's aggregate classification.

Genetic Services Laboratory, University of Chicago
Classification: Likely benign for AllHighlyPenetrant. Review status: no assertion criteria provided. Collection method: clinical testing. Allele origin: germline. Inheritance: Autosomal recessive inheritance. Not counted in ClinVar's aggregate classification.
Comment: Likely benign based on allele frequency in 1000 Genomes Project or ESP global frequency and its presence in a patient with a rare or unrelated disease phenotype. NOT Sanger confirmed.

Joint Genome Diagnostic Labs from Nijmegen and Maastricht, Radboudumc and MUMC+
Classification: Benign. Review status: no assertion criteria provided. Collection method: clinical testing. Allele origin: germline. Affected: yes. Study: VKGL Data-share Consensus. Not counted in ClinVar's aggregate classification.

Laboratory of Diagnostic Genome Analysis, Leiden University Medical Center (LUMC)
Classification: Benign. Review status: no assertion criteria provided. Collection method: clinical testing. Allele origin: germline. Affected: yes. Study: VKGL Data-share Consensus. Not counted in ClinVar's aggregate classification.

Literature cited by the submitters: PubMed 19252504 (cited by Athena Diagnostics).

NM_001101.5(ACTB):c.942G>A (p.Gln314=)

Gene: ACTB (actin beta; minus strand). Cytogenetic location: 7p22.1.
Variant type: single nucleotide variant.
Coding change: c.942G>A on transcript NM_001101.5 (MANE Select); coding-DNA position 942, G replaced by A.
Protein change: p.Gln314=; no amino-acid change (glutamine 314 retained).
Molecular consequence: synonymous variant.
Genome position (GRCh38, 1-based): chr7:5,528,046, C>T on the plus strand (G>A on the coding strand, the complement: ACTB is on the minus strand). VCF-style: chr7-5528046-C-T. GRCh37 (hg19) VCF-style: chr7-5567677-C-T.
Other names: p.Gln314=; c.942G>A (LRG_132t1).
Identifiers: ClinVar variation 128264 (VCV000128264.31), dbSNP rs11546939, ClinGen allele CA151577.